The following is an entry in ClinVar:

NC_000001.11:g.75769235G>A

Gene: ACADM (acyl-CoA dehydrogenase medium chain; plus strand). Cytogenetic location: 1p31.1.
Variant type: single nucleotide variant.
Genome position: GRCh38 VCF-style: chr1-75769235-G-A. GRCh37 (hg19) VCF-style: chr1-76234920-G-A.
Identifiers: ClinVar variation 4872238 (VCV004872238.2).

ClinVar aggregate classification (germline): Likely benign (1 of 4 stars; one submission).

Submission:

CeGaT Center for Human Genetics Tuebingen
Classification: Likely benign. Last evaluated: 2026-04-01. Review status: criteria provided, single submitter. Criteria: CeGaT Center For Human Genetics Tuebingen Variant Classification Criteria Version 2. Collection method: clinical testing. Allele origin: germline. Affected: yes. Observed: 1 variant allele.
Comment: ACADM: BS2